The following is an entry in ClinVar:

ClinVar aggregate classification (germline): Uncertain significance (1 of 4 stars; one submission).

Allele frequency attached by ClinVar (database versions not stated): gnomAD exomes below 0.00001.

Submission:

GeneDx
Classification: Uncertain significance. Last evaluated: 2025-07-23. Review status: criteria provided, single submitter. Criteria: GeneDx Variant Classification Process June 2021. Collection method: clinical testing. Allele origin: germline. Affected: yes.
Comment: Not observed at significant frequency in large population cohorts (gnomAD); In-frame deletion of 1 amino acid(s) in a non-repeat region; In silico analysis supports a deleterious effect on protein structure/function; Has not been previously published as pathogenic or benign to our knowledge

NM_001190737.2(NFIB):c.1057_1059del (p.Ser353del)

Gene: NFIB (nuclear factor I B; minus strand). Cytogenetic location: 9p23.
Variant type: Deletion.
Coding change: c.1057_1059del on transcript NM_001190737.2 (MANE Select); coding-DNA positions 1057 to 1059, 3 bases deleted (AGT; older notation c.1057_1059delAGT).
Protein change: p.Ser353del; deletes serine 353.
Molecular consequence: inframe deletion. On other transcripts: non-coding transcript variant (3), splice donor variant (4).
Genome position (GRCh38, 1-based): chr9:14,125,633-14,125,635, ACT deleted on the plus strand (AGT on the coding strand, the reverse complement: NFIB is on the minus strand). VCF-style (leftmost placement, unchanged base first): chr9-14125632-CACT-C. GRCh37 (hg19) VCF-style: chr9-14125631-CACT-C.
Other names: c.1135_1137del, p.Ser379del (NM_001190738.2); c.301_303del, p.Ser101del (NM_001282787.2); c.1123_1125del, p.Ser375del (NM_001369458.1, NM_001369459.1, NM_001369462.1 and 1 more transcripts); c.1045_1047del, p.Ser349del (NM_001369460.1, NM_001369463.1, NM_001369466.1 and 1 more transcripts); c.1057_1059del, p.Ser353del (NM_001369461.1, NM_001369464.1, NM_005596.3); c.1030_1032del, p.Ser344del (NM_001369465.1, NM_001369467.1, NM_001369476.1); c.913_915del, p.Ser305del (NM_001369469.1); c.820_822del, p.Ser274del (NM_001369470.1, NM_001369478.1); and 6 more; short protein forms S101del, S174del, S274del, S278del, S305del, S344del, S349del, S353del.
Identifiers: ClinVar variation 2575555 (VCV002575555.2), dbSNP rs2537884960, ClinGen allele CA2580616157.